The following is an entry in ClinVar:

ClinVar aggregate classification (germline): Likely benign. Review status: criteria provided, multiple submitters, no conflicts (2 of 4 stars). 2 submissions from 2 submitters: Likely benign (2). Last evaluated 2026-06-01.

Allele frequency attached by ClinVar (database versions not stated): gnomAD exomes below 0.00001; ExAC 0.00001; gnomAD 0.00001; TOPMed 0.00001.
gnomAD v4.1: 8 of 1,613,928 alleles (0.0005%); highest among the groups gnomAD compares: Non-Finnish European, 0.00068%; no homozygotes.

Submissions (2):

CeGaT Center for Human Genetics Tuebingen
Classification: Likely benign. Last evaluated: 2026-06-01. Review status: criteria provided, single submitter. Criteria: CeGaT Center For Human Genetics Tuebingen Variant Classification Criteria Version 2. Collection method: clinical testing. Allele origin: germline. Affected: yes. Observed: 1 variant allele.
Comment: C2: BP4, BP7

Labcorp Genetics (formerly Invitae), Labcorp
Classification: Likely benign. Last evaluated: 2025-02-26. Review status: criteria provided, single submitter. Criteria: Invitae Variant Classification Sherloc (09022015). Collection method: clinical testing. Allele origin: germline.

NM_000063.6(C2):c.189G>C (p.Leu63=)

Gene: C2 (complement C2; plus strand). Cytogenetic location: 6p21.33.
Variant type: single nucleotide variant.
Coding change: c.189G>C on transcript NM_000063.6 (MANE Select); coding-DNA position 189, G replaced by C.
Protein change: p.Leu63=; no amino-acid change (leucine 63 retained).
Molecular consequence: synonymous variant. On other transcripts: missense variant (1), genic upstream transcript variant (2), intron variant (1).
Genome position (GRCh38, 1-based): chr6:31,928,097, G>C. VCF-style: chr6-31928097-G-C. GRCh37 (hg19) VCF-style: chr6-31895874-G-C.
Other names: c.74G>C, p.Cys25Ser (NM_001282458.2); c.189G>C, p.Leu63= (NM_001282459.2); c.-63-5513G>C (NM_001282457.2); c.74-5513G>C (NM_001178063.3); c.46+299G>C (NM_001145903.3); short protein forms C25S.
Identifiers: ClinVar variation 3004179 (VCV003004179.5), dbSNP rs751453267, ClinGen allele CA3727298.